The following is an entry in ClinVar:

NM_001277115.2(DNAH11):c.10332G>A (p.Lys3444=)

Gene: DNAH11 (dynein axonemal heavy chain 11; plus strand). Cytogenetic location: 7p15.3.
Variant type: single nucleotide variant.
Coding change: c.10332G>A on transcript NM_001277115.2 (MANE Select); coding-DNA position 10332, G replaced by A.
Protein change: p.Lys3444=; no amino-acid change (lysine 3444 retained).
Molecular consequence: synonymous variant.
Genome position (GRCh38, 1-based): chr7:21,808,049, G>A. VCF-style: chr7-21808049-G-A. GRCh37 (hg19) VCF-style: chr7-21847667-G-A.
Other names: c.10353G>A, p.Lys3451= (NM_003777.3).
Identifiers: ClinVar variation 2726010 (VCV002726010.1), dbSNP rs1243329120, ClinGen allele CA453966337.

ClinVar aggregate classification (germline): Uncertain significance (1 of 4 stars; one submission).

Conditions:
Primary ciliary dyskinesia. Also called: Ciliary dyskinesia. Identifiers: Orphanet 244, MedGen C0008780, MONDO:0016575, HP:0012265.

Allele frequency attached by ClinVar (database versions not stated): TOPMed below 0.00001.
gnomAD v4.1: 2 of 1,517,254 alleles (0.00013%); highest among the groups gnomAD compares: Non-Finnish European, 0.00018%; no homozygotes.

Submission:

Labcorp Genetics (formerly Invitae), Labcorp
Classification: Uncertain significance for Primary ciliary dyskinesia. Last evaluated: 2023-10-30. Review status: criteria provided, single submitter. Criteria: Invitae Variant Classification Sherloc (09022015). Collection method: clinical testing. Allele origin: germline.
Comment: This sequence change affects codon 3444 of the DNAH11 mRNA. It is a 'silent' change, meaning that it does not change the encoded amino acid sequence of the DNAH11 protein. This variant also falls at the last nucleotide of exon 63, which is part of the consensus splice site for this exon. The frequency data for this variant in the population databases is considered unreliable, as metrics indicate poor data quality at this position in the gnomAD database. This variant has not been reported in the literature in individuals affected with DNAH11-related conditions. Variants that disrupt the consensus splice site are a relatively common cause of aberrant splicing (PMID: 17576681, 9536098). Algorithms developed to predict the effect of sequence changes on RNA splicing suggest that this variant is not likely to affect RNA splicing. In summary, the available evidence is currently insufficient to determine the role of this variant in disease. Therefore, it has been classified as a Variant of Uncertain Significance.

Literature cited by the submitters: PubMed 17576681; PubMed 9536098.